The following is an entry in ClinVar:

ClinVar aggregate classification (germline): Uncertain significance (1 of 4 stars; one submission).

gnomAD v4.1: 4 of 1,608,886 alleles (0.00025%); highest among the groups gnomAD compares: Admixed American, 0.0033%; no homozygotes.

Submission:

Dasa
Classification: Uncertain significance. Last evaluated: 2025-12-02. Review status: criteria provided, single submitter. Criteria: DASA Assertion Criteria. Collection method: clinical testing. Allele origin: germline.
Comment: NM_000069.3(CACNA1S):c.2658-6C>T is a splice-region variant. This variant is rare in population databases. The currently available literature and clinical evidence are not sufficient to establish a definitive association between this variant and the reported condition. Therefore, this variant is classified as a variant of uncertain significance.

NM_000069.3(CACNA1S):c.2658-6C>T

Gene: CACNA1S (calcium voltage-gated channel subunit alpha1 S; minus strand). Cytogenetic location: 1q32.1.
Variant type: single nucleotide variant.
Coding change: c.2658-6C>T on transcript NM_000069.3 (MANE Select); 6 bases into the intron before coding-DNA position 2658, C replaced by T.
Molecular consequence: intron variant.
Genome position (GRCh38, 1-based): chr1:201,066,322, G>A on the plus strand (C>T on the coding strand, the complement: CACNA1S is on the minus strand). VCF-style: chr1-201066322-G-A. GRCh37 (hg19) VCF-style: chr1-201035450-G-A.
Identifiers: ClinVar variation 4881735 (VCV004881735.2).
Genomic context (GRCh38, chr1:201,066,322, plus strand): 5'-TGGTCGGAGCACCCTCAGCACCCTCAGGATCTTCACCACGGAGATGGCACTGGACCTGGG[G>A]GGCGGCAATGGTGAGGGGGCTGAGGGCAGCCTGCTCCAGCCAGCCCAGTCTGCGGTGGAG-3'